The following is an entry in ClinVar:

NM_002617.4(PEX10):c.432_435del (p.Trp144fs)

Gene: PEX10 (peroxisomal biogenesis factor 10; minus strand). Cytogenetic location: 1p36.32.
Variant type: Deletion.
Coding change: c.432_435del on transcript NM_002617.4 (MANE Select); coding-DNA positions 432 to 435, 4 bases deleted (GATG; older notation c.432_435delGATG).
Protein change: p.Trp144fs; shifts the reading frame from tryptophan 144.
Molecular consequence: frameshift variant. On other transcripts: initiator codon variant (2), non-coding transcript variant (1).
Genome position (GRCh38, 1-based): chr1:2,408,617-2,408,620, CATC deleted on the plus strand (GATG on the coding strand, the reverse complement: PEX10 is on the minus strand); deleting any 4 consecutive bases within chr1:2,408,617-2,408,622 gives the same sequence; the c. name uses the placement nearest the transcript's 3' end. VCF-style (leftmost placement, unchanged base first): chr1-2408616-GCATC-G. GRCh37 (hg19) VCF-style: chr1-2340055-GCATC-G.
Other names: c.432_435del, p.Trp144fs (NM_001374425.1, NM_153818.2); c.-1_3del, p.Met1fs (NM_001374426.1, NM_001374427.1); short protein forms M1fs, W144fs.
Identifiers: ClinVar variation 5015305 (VCV005015305.1).

ClinVar aggregate classification (germline): Pathogenic (1 of 4 stars; one submission).

Conditions:
Peroxisome biogenesis disorder. Identifiers: Orphanet 79189, MedGen C1832200, MONDO:0019234. Disease mechanism: loss of function.

Submission:

Myriad Genetics, Inc.
Classification: Pathogenic for Peroxisome biogenesis disorder. Last evaluated: 2025-12-11. Review status: criteria provided, single submitter. Criteria: Myriad Autosomal Dominant, Autosomal Recessive and X-Linked Classification Criteria (2023). Collection method: clinical testing. Allele origin: unknown.
Comment: NM_153818.1(PEX10):c.432_435delGATG(W144Cfs*8) is expected to be pathogenic in the context of peroxisome biogenesis disorder type 6. This variant is predicted to lead to an abnormal or absent protein product due to the creation of a premature termination codon in PEX10, a gene where loss-of-function variants are known to be pathogenic. Please note: this variant was assessed in the context of healthy population screening.